The following is an entry in ClinVar:

NM_001330574.2(ZNF711):c.1681C>T (p.Arg561Ter)

Gene: ZNF711 (ZFX family zinc finger ZNF711; plus strand). Cytogenetic location: Xq21.1.
Variant type: single nucleotide variant.
Coding change: c.1681C>T on transcript NM_001330574.2 (MANE Select); coding-DNA position 1681, C replaced by T.
Protein change: p.Arg561Ter; replaces arginine 561 with a stop codon.
Molecular consequence: nonsense.
Genome position (GRCh38, 1-based): chrX:85,271,085, C>T. VCF-style: chrX-85271085-C-T. GRCh37 (hg19) VCF-style: chrX-84526091-C-T.
Other names: c.1543C>T, p.Arg515Ter (NM_001375437.1, NM_021998.5, NM_001375434.1 and 2 more transcripts); c.1681C>T, p.Arg561Ter (NM_001375431.1, NM_001375432.1, NM_001375433.1); short protein forms R515*, R561*.
Identifiers: ClinVar variation 2499146 (VCV002499146.28), dbSNP rs2520404165, ClinGen allele CA413774341.

ClinVar aggregate classification (germline): Likely pathogenic (1 of 4 stars; one submission).

Submission:

CeGaT Center for Human Genetics Tuebingen
Classification: Likely pathogenic. Last evaluated: 2023-01-01. Review status: criteria provided, single submitter. Criteria: CeGaT Center For Human Genetics Tuebingen Variant Classification Criteria Version 2. Collection method: clinical testing. Allele origin: germline. Affected: yes. Observed: 1 variant allele.
Comment: ZNF711: PM2, PS4:Moderate, PVS1:Moderate